The following is an entry in ClinVar:

NM_024642.5(GALNT12):c.152G>A (p.Gly51Glu)

Gene: GALNT12 (polypeptide N-acetylgalactosaminyltransferase 12; plus strand). Cytogenetic location: 9q22.33.
Variant type: single nucleotide variant.
Coding change: c.152G>A on transcript NM_024642.5 (MANE Select); coding-DNA position 152, G replaced by A.
Protein change: p.Gly51Glu; replaces glycine 51 with glutamic acid.
Molecular consequence: missense variant.
Genome position (GRCh38, 1-based): chr9:98,807,850, G>A. VCF-style: chr9-98807850-G-A. GRCh37 (hg19) VCF-style: chr9-101570132-G-A.
Other names: short protein forms G51E.
Identifiers: ClinVar variation 1774596 (VCV001774596.2), dbSNP rs2490455382, ClinGen allele CA374222417.
Genomic context (GRCh38, chr9:98,807,850, plus strand): 5'-CCGGGCTGGGCTCGGTGCTGCGGGCGCAGCGTGGGGCCGGGGCCGGGGCTGCCGAGCCGG[G>A]ACCCCCGCGCACCCCGCGCCCCGGGCGGCGCGAGCCGGTCATGCCGCGGCCGCCGGTGCC-3'
Protein context (NP_078918.3, residues 41-61): RGAGAGAAEP[Gly51Glu]PPRTPRPGRR

ClinVar aggregate classification (germline): Uncertain significance (1 of 4 stars; one submission).

Submission:

Ambry Genetics
Classification: Uncertain significance. Last evaluated: 2022-01-15. Review status: criteria provided, single submitter. Criteria: Ambry Variant Classification Scheme 2023. Collection method: clinical testing. Allele origin: germline.
Comment: The p.G51E variant (also known as c.152G>A), located in coding exon 1 of the GALNT12 gene, results from a G to A substitution at nucleotide position 152. The glycine at codon 51 is replaced by glutamic acid, an amino acid with similar properties. This amino acid position is conserved. In addition, this alteration is predicted to be tolerated by in silico analysis. Since supporting evidence is limited at this time, the clinical significance of this alteration remains unclear.